The following is an entry in ClinVar:

NM_152384.3(BBS5):c.924+8C>G

Gene: BBS5 (Bardet-Biedl syndrome 5; plus strand). Cytogenetic location: 2q31.1.
Variant type: single nucleotide variant.
Coding change: c.924+8C>G on transcript NM_152384.3 (MANE Select); 8 bases into the intron after coding-DNA position 924, C replaced by G.
Molecular consequence: intron variant.
Genome position (GRCh38, 1-based): chr2:169,504,334, C>G. VCF-style: chr2-169504334-C-G. GRCh37 (hg19) VCF-style: chr2-170360844-C-G.
Identifiers: ClinVar variation 3351517 (VCV003351517.1).

ClinVar aggregate classification (germline): Likely benign (0 of 4 stars; one submission).

Conditions:
BBS5-related disorder. Also called: BBS5-related condition.

gnomAD v4.1: 6 of 1,611,740 alleles (0.00037%); highest among the groups gnomAD compares: African/African-American, 0.0053%; no homozygotes.

Submission:

PreventionGenetics, part of Exact Sciences
Classification: Likely benign for BBS5-related condition. Last evaluated: 2024-03-22. Review status: no assertion criteria provided. Collection method: clinical testing. Allele origin: germline.
Comment: This variant is classified as likely benign based on ACMG/AMP sequence variant interpretation guidelines (Richards et al. 2015 PMID: 25741868, with internal and published modifications).